The following is an entry in ClinVar:

NM_004714.3(DYRK1B):c.1188C>T (p.His396=)

Gene: DYRK1B (dual specificity tyrosine phosphorylation regulated kinase 1B; minus strand). Cytogenetic location: 19q13.2.
Variant type: single nucleotide variant.
Coding change: c.1188C>T on transcript NM_004714.3 (MANE Select); coding-DNA position 1188, C replaced by T.
Protein change: p.His396=; no amino-acid change (histidine 396 retained).
Molecular consequence: synonymous variant. On other transcripts: intron variant (2).
Genome position (GRCh38, 1-based): chr19:39,826,895, G>A on the plus strand (C>T on the coding strand, the complement: DYRK1B is on the minus strand). VCF-style: chr19-39826895-G-A. GRCh37 (hg19) VCF-style: chr19-40317535-G-A.
Other names: c.1096-28C>T (NM_006483.3); c.1132-28C>T (NM_006484.3).
Identifiers: ClinVar variation 4985169 (VCV004985169.1).

ClinVar aggregate classification (germline): Likely benign (1 of 4 stars; one submission).

Conditions:
DYRK1B-related disorder. Also called: DYRK1B-related condition.

gnomAD v4.1: 7 of 1,421,646 alleles (0.00049%); highest among the groups gnomAD compares: African/African-American, 0.0075%; no homozygotes.

Submission:

PreventionGenetics, part of Exact Sciences
Classification: Likely benign for DYRK1B-related condition. Last evaluated: 2025-02-26. Review status: criteria provided, single submitter. Criteria: ACMG Guidelines, 2015. Collection method: clinical testing. Allele origin: germline.
Comment: This variant is classified as likely benign based on ACMG/AMP sequence variant interpretation guidelines (Richards et al. 2015 PMID: 25741868, with internal and published modifications).